The following is an entry in ClinVar:

ClinVar aggregate classification (germline): Benign. Review status: criteria provided, multiple submitters, no conflicts (2 of 4 stars). 4 submissions from 4 submitters: Benign (3). 1 of the submissions does not count toward it. Last evaluated 2026-02-01.

Conditions:
LTBP3-related disorder. Also called: LTBP3-related condition.
Brachyolmia-amelogenesis imperfecta syndrome. Also called: Tooth agenesis, selective, 6; Dental anomalies and short stature; PLATYSPONDYLY WITH AMELOGENESIS IMPERFECTA. Identifiers: Orphanet 2899, MedGen C1832594, MONDO:0011018, OMIM 601216. Disease mechanism: loss of function.

Allele frequency attached by ClinVar (database versions not stated): gnomAD 0.00193 and 0.00259; gnomAD exomes 0.00165 and 0.00562; TOPMed 0.00329; ExAC 0.00645; 1000 Genomes Project 30x 0.01218; 1000 Genomes Project 0.01358.
gnomAD v4.1: 3,037 of 1,608,204 alleles (0.19%); highest among the groups gnomAD compares: East Asian, 5.2%; 102 homozygotes.

Submissions (4):

Labcorp Genetics (formerly Invitae), Labcorp
Classification: Benign for Brachyolmia-amelogenesis imperfecta syndrome. Last evaluated: 2026-02-01. Review status: criteria provided, single submitter. Criteria: Invitae Variant Classification Sherloc (09022015). Collection method: clinical testing. Allele origin: germline.

Mayo Clinic Laboratories, Mayo Clinic
Classification: Benign. Last evaluated: 2023-11-25. Review status: criteria provided, single submitter. Criteria: ACMG Guidelines, 2015. Collection method: clinical testing. Allele origin: germline. Observed: 3 variant alleles.

GeneDx
Classification: Benign. Last evaluated: 2018-11-12. Review status: criteria provided, single submitter. Criteria: GeneDx Variant Classification Process June 2021. Collection method: clinical testing. Allele origin: germline. Affected: yes.

PreventionGenetics, part of Exact Sciences
Classification: Benign for LTBP3-related condition. Last evaluated: 2019-08-29. Review status: no assertion criteria provided. Collection method: clinical testing. Allele origin: germline. Not counted in ClinVar's aggregate classification.
Comment: This variant is classified as benign based on ACMG/AMP sequence variant interpretation guidelines (Richards et al. 2015 PMID: 25741868, with internal and published modifications).

NM_001130144.3(LTBP3):c.3548-9T>C

Gene: LTBP3 (latent transforming growth factor beta binding protein 3; minus strand). Cytogenetic location: 11q13.1.
Variant type: single nucleotide variant.
Coding change: c.3548-9T>C on transcript NM_001130144.3 (MANE Select); 9 bases into the intron before coding-DNA position 3548, T replaced by C.
Molecular consequence: intron variant.
Genome position (GRCh38, 1-based): chr11:65,539,637, A>G on the plus strand (T>C on the coding strand, the complement: LTBP3 is on the minus strand). VCF-style: chr11-65539637-A-G. GRCh37 (hg19) VCF-style: chr11-65307108-A-G.
Other names: p.?; c.3056-9T>C (NM_001164266.1); c.3407-9T>C (NM_021070.4).
Identifiers: ClinVar variation 532698 (VCV000532698.16), dbSNP rs149115544, ClinGen allele CA6100245.